The following is an entry in ClinVar:

NM_152393.4(KLHL40):c.416T>C (p.Leu139Pro)

Gene: KLHL40 (kelch like family member 40; plus strand). Cytogenetic location: 3p22.1.
Variant type: single nucleotide variant.
Coding change: c.416T>C on transcript NM_152393.4 (MANE Select); coding-DNA position 416, T replaced by C.
Protein change: p.Leu139Pro; replaces leucine 139 with proline.
Molecular consequence: missense variant.
Genome position (GRCh38, 1-based): chr3:42,686,034, T>C. VCF-style: chr3-42686034-T-C. GRCh37 (hg19) VCF-style: chr3-42727526-T-C.
Other names: short protein forms L139P.
Identifiers: ClinVar variation 642688 (VCV000642688.5), dbSNP rs1328688864, ClinGen allele CA352289349.
Genomic context (GRCh38, chr3:42,686,034, plus strand): 5'-TCTGCGTGTCCTTCCTGCAGAAGCGCCTGTGCCTCTCCAACTGCTTGGCCGTCTTCCGTC[T>C]CGGCCTCCTGCTCGACTGCGCGCGTCTCGCCGTGGCTGCCCGCGACTTCATCTGCGCTCA-3'
Protein context (NP_689606.2, residues 129-149): CLSNCLAVFR[Leu139Pro]GLLLDCARLA

ClinVar aggregate classification (germline): Uncertain significance (1 of 4 stars; one submission).

Conditions:
Nemaline myopathy 8 (NEM8). Also called: Nemaline myopathy 8, autosomal recessive. Identifiers: Orphanet 171430, MedGen C3809209, MONDO:0014138, OMIM 615348.

Allele frequency attached by ClinVar (database versions not stated): gnomAD exomes below 0.00001; gnomAD 0.00001; TOPMed 0.00001.
gnomAD v4.1: 8 of 1,608,734 alleles (0.0005%); highest among the groups gnomAD compares: Non-Finnish European, 0.00059%; no homozygotes.

Submission:

Labcorp Genetics (formerly Invitae), Labcorp
Classification: Uncertain significance for Nemaline myopathy 8. Last evaluated: 2021-04-17. Review status: criteria provided, single submitter. Criteria: Invitae Variant Classification Sherloc (09022015). Collection method: clinical testing. Allele origin: germline.
Comment: In summary, the available evidence is currently insufficient to determine the role of this variant in disease. Therefore, it has been classified as a Variant of Uncertain Significance. Algorithms developed to predict the effect of missense changes on protein structure and function (SIFT, PolyPhen-2, Align-GVGD) all suggest that this variant is likely to be disruptive, but these predictions have not been confirmed by published functional studies and their clinical significance is uncertain. This variant has not been reported in the literature in individuals with KLHL40-related conditions. This variant is not present in population databases (ExAC no frequency). This sequence change replaces leucine with proline at codon 139 of the KLHL40 protein (p.Leu139Pro). The leucine residue is highly conserved and there is a moderate physicochemical difference between leucine and proline.